The following is an entry in ClinVar:

NM_004539.4(NARS1):c.661A>C (p.Asn221His)

Gene: NARS1 (asparaginyl-tRNA synthetase 1; minus strand). Cytogenetic location: 18q21.31.
Variant type: single nucleotide variant.
Coding change: c.661A>C on transcript NM_004539.4 (MANE Select); coding-DNA position 661, A replaced by C.
Protein change: p.Asn221His; replaces asparagine 221 with histidine.
Molecular consequence: missense variant.
Genome position (GRCh38, 1-based): chr18:57,607,584, T>G on the plus strand (A>C on the coding strand, the complement: NARS1 is on the minus strand). VCF-style: chr18-57607584-T-G. GRCh37 (hg19) VCF-style: chr18-55274816-T-G.
Other names: short protein forms N221H.
Identifiers: ClinVar variation 3242204 (VCV003242204.1), dbSNP rs2511571061.

ClinVar aggregate classification (germline): Uncertain significance (1 of 4 stars; one submission).

Conditions:
Neurodevelopmental disorder with microcephaly, impaired language, epilepsy, and gait abnormalities. Identifiers: MedGen C5436788, MONDO:0030837, OMIM 619092.

Allele frequency attached by ClinVar (database versions not stated): gnomAD exomes below 0.00001.
gnomAD v4.1: 1 of 1,614,172 alleles (0.000062%); highest among the groups gnomAD compares: South Asian, 0.0011%; no homozygotes.

Submission:

Neuberg Centre For Genomic Medicine, NCGM
Classification: Uncertain significance for Neurodevelopmental disorder with microcephaly, impaired language, epilepsy, and gait abnormalities. Review status: criteria provided, single submitter. Criteria: ACMG Guidelines, 2015. Collection method: clinical testing. Allele origin: germline. Inheritance: Autosomal dominant inheritance. Affected: yes.
Comment: The missense c.661A>C(p.Asn221His) variant in NARS1 gene has not been reported previously as a pathogenic variant nor as a benign variant, to our knowledge. This variant is novel (not in any individuals) in gnomAD Exomes and 1000 Genomes. The amino acid Asn at position 221 is changed to a His changing protein sequence and it might alter its composition and physico-chemical properties. The amino acid change p.Asn221His in NARS1 is predicted as conserved by GERP++ and PhyloP across 100 vertebrates. The variant is predicted as damaging by SIFT. For these reasons, this variant has been classified as Uncertain Significance.